The following is an entry in ClinVar:

NM_021942.6(TRAPPC11):c.1689G>T (p.Lys563Asn)

Gene: TRAPPC11 (trafficking protein particle complex subunit 11; plus strand). Cytogenetic location: 4q35.1.
Variant type: single nucleotide variant.
Coding change: c.1689G>T on transcript NM_021942.6 (MANE Select); coding-DNA position 1689, G replaced by T.
Protein change: p.Lys563Asn; replaces lysine 563 with asparagine.
Molecular consequence: missense variant.
Genome position (GRCh38, 1-based): chr4:183,685,330, G>T. VCF-style: chr4-183685330-G-T. GRCh37 (hg19) VCF-style: chr4-184606483-G-T.
Other names: c.1689G>T, p.Lys563Asn (NM_199053.3); short protein forms K563N.
Identifiers: ClinVar variation 2129968 (VCV002129968.4), dbSNP rs2476877009, ClinGen allele CA358868328.

ClinVar aggregate classification (germline): Uncertain significance (1 of 4 stars; one submission).

Conditions:
Autosomal recessive limb-girdle muscular dystrophy type R18 (LGMDR18). Also called: MUSCULAR DYSTROPHY, LIMB-GIRDLE, AUTOSOMAL RECESSIVE 18; Limb-girdle muscular dystrophy, type 2S; Autosomal recessive limb-girdle muscular dystrophy type 2S. Identifiers: Orphanet 369840, MedGen C4517996, MONDO:0014144, OMIM 615356.

Submission:

Labcorp Genetics (formerly Invitae), Labcorp
Classification: Uncertain significance for Autosomal recessive limb-girdle muscular dystrophy type R18. Last evaluated: 2022-04-24. Review status: criteria provided, single submitter. Criteria: Invitae Variant Classification Sherloc (09022015). Collection method: clinical testing. Allele origin: germline.
Comment: This sequence change replaces lysine, which is basic and polar, with asparagine, which is neutral and polar, at codon 563 of the TRAPPC11 protein (p.Lys563Asn). This variant is not present in population databases (gnomAD no frequency). This variant has not been reported in the literature in individuals affected with TRAPPC11-related conditions. Algorithms developed to predict the effect of missense changes on protein structure and function (SIFT, PolyPhen-2, Align-GVGD) all suggest that this variant is likely to be tolerated. In summary, the available evidence is currently insufficient to determine the role of this variant in disease. Therefore, it has been classified as a Variant of Uncertain Significance.